The following is an entry in ClinVar:

NM_000273.3(GPR143):c.913C>A (p.Leu305Ile)

Gene: GPR143 (G protein-coupled receptor 143; minus strand). Cytogenetic location: Xp22.2.
Variant type: single nucleotide variant.
Coding change: c.913C>A on transcript NM_000273.3 (MANE Select); coding-DNA position 913, C replaced by A.
Protein change: p.Leu305Ile; replaces leucine 305 with isoleucine.
Molecular consequence: missense variant.
Genome position (GRCh38, 1-based): chrX:9,739,692, G>T on the plus strand (C>A on the coding strand, the complement: GPR143 is on the minus strand). VCF-style: chrX-9739692-G-T. GRCh37 (hg19) VCF-style: chrX-9707732-G-T.
Other names: short protein forms L305I.
Identifiers: ClinVar variation 3686859 (VCV003686859.2).

ClinVar aggregate classification (germline): Uncertain significance (1 of 4 stars; one submission).

gnomAD v4.1: 2 of 1,176,767 alleles (0.00017%); highest among the groups gnomAD compares: Non-Finnish European, 0.00023%; no homozygotes.

Submission:

Labcorp Genetics (formerly Invitae), Labcorp
Classification: Uncertain significance. Last evaluated: 2024-08-13. Review status: criteria provided, single submitter. Criteria: Invitae Variant Classification Sherloc (09022015). Collection method: clinical testing. Allele origin: germline.
Comment: This sequence change replaces leucine, which is neutral and non-polar, with isoleucine, which is neutral and non-polar, at codon 305 of the GPR143 protein (p.Leu305Ile). The frequency data for this variant in the population databases is considered unreliable, as metrics indicate poor data quality at this position in the gnomAD database. This variant has not been reported in the literature in individuals affected with GPR143-related conditions. Invitae Evidence Modeling of protein sequence and biophysical properties (such as structural, functional, and spatial information, amino acid conservation, physicochemical variation, residue mobility, and thermodynamic stability) indicates that this missense variant is expected to disrupt GPR143 protein function with a positive predictive value of 80%. In summary, the available evidence is currently insufficient to determine the role of this variant in disease. Therefore, it has been classified as a Variant of Uncertain Significance.